The following is an entry in ClinVar:

NM_001792.5(CDH2):c.2420G>A (p.Arg807Gln)

Genes: CDH2 (cadherin 2; minus strand), CDH2-AS1 (CDH2 antisense RNA 1; plus strand). Cytogenetic location: 18q12.1.
Variant type: single nucleotide variant.
Coding change: c.2420G>A on transcript NM_001792.5 (MANE Select); coding-DNA position 2420, G replaced by A.
Protein change: p.Arg807Gln; replaces arginine 807 with glutamine.
Molecular consequence: missense variant.
Genome position (GRCh38, 1-based): chr18:27,963,451, C>T on the plus strand (G>A on the coding strand, the complement: CDH2 is on the minus strand). VCF-style: chr18-27963451-C-T. GRCh37 (hg19) VCF-style: chr18-25543415-C-T.
Other names: c.2327G>A, p.Arg776Gln (NM_001308176.2); short protein forms R776Q, R807Q.
Identifiers: ClinVar variation 1902841 (VCV001902841.5), dbSNP rs2011462344, ClinGen allele CA402104118.

ClinVar aggregate classification (germline): Uncertain significance (1 of 4 stars; one submission).

Allele frequency attached by ClinVar (database versions not stated): gnomAD exomes below 0.00001; TOPMed below 0.00001.

Submission:

Labcorp Genetics (formerly Invitae), Labcorp
Classification: Uncertain significance. Last evaluated: 2022-07-01. Review status: criteria provided, single submitter. Criteria: Invitae Variant Classification Sherloc (09022015). Collection method: clinical testing. Allele origin: germline.
Comment: In summary, the available evidence is currently insufficient to determine the role of this variant in disease. Therefore, it has been classified as a Variant of Uncertain Significance. Algorithms developed to predict the effect of missense changes on protein structure and function (SIFT, PolyPhen-2, Align-GVGD) all suggest that this variant is likely to be disruptive. This variant has not been reported in the literature in individuals affected with CDH2-related conditions. This variant is not present in population databases (gnomAD no frequency). This sequence change replaces arginine, which is basic and polar, with glutamine, which is neutral and polar, at codon 807 of the CDH2 protein (p.Arg807Gln).